The following is an entry in ClinVar:

ClinVar aggregate classification (germline): Uncertain significance (1 of 4 stars; one submission).

Submission:

Women's Health and Genetics/Laboratory Corporation of America, LabCorp
Classification: Uncertain significance. Last evaluated: 2022-04-11. Review status: criteria provided, single submitter. Criteria: LabCorp Variant Classification Summary - May 2015. Collection method: clinical testing. Allele origin: germline.
Comment: Variant summary: FBN1 c.7834_7839delCTCAGC (p.Leu2612_Ser2613del) results in an in-frame deletion that is predicted to remove two amino acids from the encoded protein. The variant was absent in 251062 control chromosomes. The available data on variant occurrences in the general population are insufficient to allow any conclusion about variant significance. To our knowledge, no occurrence of c.7834_7839delCTCAGC in individuals affected with Marfan Syndrome and no experimental evidence demonstrating its impact on protein function have been reported. No clinical diagnostic laboratories have submitted clinical-significance assessments for this variant to ClinVar after 2014. Based on the evidence outlined above, the variant was classified as uncertain significance.

NM_000138.5(FBN1):c.7834_7839del (p.Leu2612_Ser2613del)

Gene: FBN1 (fibrillin 1; minus strand). Cytogenetic location: 15q21.1.
Variant type: Deletion.
Coding change: c.7834_7839del on transcript NM_000138.5 (MANE Select); coding-DNA positions 7834 to 7839, 6 bases deleted (CTCAGC; older notation c.7834_7839delCTCAGC).
Protein change: p.Leu2612_Ser2613del.
Molecular consequence: inframe deletion.
Genome position (GRCh38, 1-based): chr15:48,415,748-48,415,753, GCTGAG deleted on the plus strand (CTCAGC on the coding strand, the reverse complement: FBN1 is on the minus strand); deleting any 6 consecutive bases within chr15:48,415,748-48,415,755 gives the same sequence; the c. name uses the placement nearest the transcript's 3' end. VCF-style (leftmost placement, unchanged base first): chr15-48415747-CGCTGAG-C. GRCh37 (hg19) VCF-style: chr15-48707944-CGCTGAG-C.
Identifiers: ClinVar variation 1683223 (VCV001683223.1), dbSNP rs2141215073, ClinGen allele CA2573150959.